The following is an entry in ClinVar:

NM_000212.3(ITGB3):c.1570C>T (p.Arg524Trp)

Gene: ITGB3 (integrin subunit beta 3; plus strand). Cytogenetic location: 17q21.32.
Variant type: single nucleotide variant.
Coding change: c.1570C>T on transcript NM_000212.3 (MANE Select); coding-DNA position 1570, C replaced by T.
Protein change: p.Arg524Trp; replaces arginine 524 with tryptophan.
Molecular consequence: missense variant.
Genome position (GRCh38, 1-based): chr17:47,292,448, C>T. VCF-style: chr17-47292448-C-T. GRCh37 (hg19) VCF-style: chr17-45369814-C-T.
Other names: short protein forms R524W.
Identifiers: ClinVar variation 1336647 (VCV001336647.10), dbSNP rs145572861, ClinGen allele CA8623290.

ClinVar aggregate classification (germline): Uncertain significance. Review status: criteria provided, multiple submitters, no conflicts (2 of 4 stars). 4 submissions from 4 submitters: Uncertain significance (4). Last evaluated 2026-04-11.

Conditions:
Inborn genetic diseases. Identifiers: MedGen C0950123, MeSH D030342.

Allele frequency attached by ClinVar (database versions not stated): ExAC 0.00015; gnomAD 0.00041 and 0.00040; gnomAD exomes 0.00014; 1000 Genomes Project 30x 0.00031; TOPMed 0.00049; ESP Exome Variant Server 0.00038; 1000 Genomes Project 0.00040.
gnomAD v4.1: 166 of 1,608,676 alleles (0.01%); highest among the groups gnomAD compares: African/African-American, 0.11%; 1 homozygote.

Submissions (4):

Ambry Genetics
Classification: Uncertain significance for Inborn genetic diseases. Last evaluated: 2026-04-11. Review status: criteria provided, single submitter. Criteria: Ambry Variant Classification Scheme 2023. Collection method: clinical testing. Allele origin: germline.
Comment: The c.1570C>T (p.R524W) alteration is located in exon 10 (coding exon 10) of the ITGB3 gene. This alteration results from a C to T substitution at nucleotide position 1570, causing the arginine (R) at amino acid position 524 to be replaced by a tryptophan (W). Based on data from gnomAD, the T allele has an overall frequency of 0.015% (43/280286) total alleles studied. The highest observed frequency was 0.116% (29/24950) of African alleles. Based on insufficient or conflicting evidence, the clinical significance of this alteration remains unclear.

Women's Health and Genetics/Laboratory Corporation of America, LabCorp
Classification: Uncertain significance. Last evaluated: 2026-03-30. Review status: criteria provided, single submitter. Criteria: LabCorp Variant Classification Summary - May 2015. Collection method: clinical testing. Allele origin: germline.
Comment: Variant summary: ITGB3 c.1570C>T (p.Arg524Trp) results in a non-conservative amino acid change in the encoded protein sequence. Algorithms developed to predict the effect of missense changes on protein structure and function all suggest that this variant is likely to be disruptive. The variant allele was found at a frequency of 0.00014 in 248902 control chromosomes in the gnomAD database, including 1 homozygotes. This frequency is not significantly higher than estimated for disease-causing variants in ITGB3, allowing no conclusion about variant significance. To our knowledge, no occurrence of c.1570C>T in individuals affected with ITGB3-related conditions and no experimental evidence demonstrating its impact on protein function have been reported. ClinVar contains an entry for this variant (Variation ID: 1336647). Based on the evidence outlined above, the variant was classified as uncertain significance.

Labcorp Genetics (formerly Invitae), Labcorp
Classification: Uncertain significance. Last evaluated: 2026-02-01. Review status: criteria provided, single submitter. Criteria: Invitae Variant Classification Sherloc (09022015). Collection method: clinical testing. Allele origin: germline.
Comment: This sequence change replaces arginine, which is basic and polar, with tryptophan, which is neutral and slightly polar, at codon 524 of the ITGB3 protein (p.Arg524Trp). This variant is present in population databases (rs145572861, gnomAD 0.1%). This variant has not been reported in the literature in individuals affected with ITGB3-related conditions. ClinVar contains an entry for this variant (Variation ID: 1336647). Invitae Evidence Modeling of protein sequence and biophysical properties (such as structural, functional, and spatial information, amino acid conservation, physicochemical variation, residue mobility, and thermodynamic stability) indicates that this missense variant is expected to disrupt ITGB3 protein function with a positive predictive value of 95%. In summary, the available evidence is currently insufficient to determine the role of this variant in disease. Therefore, it has been classified as a Variant of Uncertain Significance.

Genetic Services Laboratory, University of Chicago
Classification: Uncertain significance. Last evaluated: 2018-04-05. Review status: criteria provided, single submitter. Criteria: ACMG Guidelines, 2015. Collection method: clinical testing. Allele origin: germline. Affected: no.